The following is an entry in ClinVar:

NM_198252.3(GSN):c.2126T>G (p.Phe709Cys)

Gene: GSN (gelsolin; plus strand). Cytogenetic location: 9q33.2.
Variant type: single nucleotide variant.
Coding change: c.2126T>G on transcript NM_198252.3 (MANE Select); coding-DNA position 2126, T replaced by G.
Protein change: p.Phe709Cys; replaces phenylalanine 709 with cysteine.
Molecular consequence: missense variant.
Genome position (GRCh38, 1-based): chr9:121,332,533, T>G. VCF-style: chr9-121332533-T-G. GRCh37 (hg19) VCF-style: chr9-124094811-T-G.
Other names: c.2126T>G, p.Phe709Cys (NM_001353059.2, NM_001353060.2, NM_001353061.2 and 10 more transcripts); c.2159T>G, p.Phe720Cys (NM_001353063.2, NM_001353064.2, NM_001353065.2 and 13 more transcripts); c.2279T>G, p.Phe760Cys (NM_000177.5); c.2234T>G, p.Phe745Cys (NM_001127663.2); c.2177T>G, p.Phe726Cys (NM_001258029.2); c.2150T>G, p.Phe717Cys (NM_001258030.2); c.1472T>G, p.Phe491Cys (NM_001353078.2); c.2198T>G, p.Phe733Cys (NM_001353076.2); short protein forms F491C, F709C, F717C, F720C, F726C, F733C, F745C, F760C.
Identifiers: ClinVar variation 3621507 (VCV003621507.2).

ClinVar aggregate classification (germline): Uncertain significance (1 of 4 stars; one submission).

gnomAD v4.1: 9 of 1,614,126 alleles (0.00056%); highest among the groups gnomAD compares: Non-Finnish European, 0.00059%; no homozygotes.

Submission:

Labcorp Genetics (formerly Invitae), Labcorp
Classification: Uncertain significance. Last evaluated: 2024-02-11. Review status: criteria provided, single submitter. Criteria: Invitae Variant Classification Sherloc (09022015). Collection method: clinical testing. Allele origin: germline.
Comment: This sequence change replaces phenylalanine, which is neutral and non-polar, with cysteine, which is neutral and slightly polar, at codon 760 of the GSN protein (p.Phe760Cys). This variant is not present in population databases (gnomAD no frequency). This variant has not been reported in the literature in individuals affected with GSN-related conditions. Advanced modeling of protein sequence and biophysical properties (such as structural, functional, and spatial information, amino acid conservation, physicochemical variation, residue mobility, and thermodynamic stability) performed at Invitae indicates that this missense variant is expected to disrupt GSN protein function with a positive predictive value of 80%. In summary, the available evidence is currently insufficient to determine the role of this variant in disease. Therefore, it has been classified as a Variant of Uncertain Significance.